The following is an entry in ClinVar:

ClinVar aggregate classification (germline): Uncertain significance (1 of 4 stars; one submission).

Submission:

GeneDx
Classification: Uncertain significance. Last evaluated: 2021-05-26. Review status: criteria provided, single submitter. Criteria: GeneDx Variant Classification Process June 2021. Collection method: clinical testing. Allele origin: germline. Affected: yes.
Comment: Not observed at significant frequency in large population cohorts (Lek et al., 2016); In silico analysis supports that this missense variant has a deleterious effect on protein structure/function; Has not been previously published as pathogenic or benign to our knowledge; This variant is associated with the following publications: (PMID: 28398823)

NM_015474.4(SAMHD1):c.1049G>A (p.Cys350Tyr)

Gene: SAMHD1 (SAM and HD domain containing deoxynucleoside triphosphate triphosphohydrolase 1; minus strand). Cytogenetic location: 20q11.23.
Variant type: single nucleotide variant.
Coding change: c.1049G>A on transcript NM_015474.4 (MANE Select); coding-DNA position 1049, G replaced by A.
Protein change: p.Cys350Tyr; replaces cysteine 350 with tyrosine.
Molecular consequence: missense variant.
Genome position (GRCh38, 1-based): chr20:36,916,735, C>T on the plus strand (G>A on the coding strand, the complement: SAMHD1 is on the minus strand). VCF-style: chr20-36916735-C-T. GRCh37 (hg19) VCF-style: chr20-35545138-C-T.
Other names: c.1049G>A, p.Cys350Tyr (NM_001363729.2, NM_001363733.2); short protein forms C350Y.
Identifiers: ClinVar variation 1326820 (VCV001326820.2), dbSNP rs2146116789, ClinGen allele CA408844718.
Genomic context (GRCh38, chr20:36,916,735, plus strand): 5'-AGACCAGGAACAACATTCTTCTTATTGCCTCCTCTGGCACAGCTTACCTTATCTCTAGCA[C>T]AAATACGCAACTCATTGTCTACTTCACAGACACGGGCAAACTTAATAAAGCGCTTGTAAT-3'
Protein context (NP_056289.2, residues 340-360): VCEVDNELRI[Cys350Tyr]ARDKEVGNLY